The following is an entry in ClinVar:

NM_000264.5(PTCH1):c.3448A>G (p.Arg1150Gly)

Gene: PTCH1 (patched 1; minus strand). Cytogenetic location: 9q22.32.
Variant type: single nucleotide variant.
Coding change: c.3448A>G on transcript NM_000264.5 (MANE Select); coding-DNA position 3448, A replaced by G.
Protein change: p.Arg1150Gly; replaces arginine 1150 with glycine.
Molecular consequence: missense variant. On other transcripts: non-coding transcript variant (1).
Genome position (GRCh38, 1-based): chr9:95,453,479, T>C on the plus strand (A>G on the coding strand, the complement: PTCH1 is on the minus strand). VCF-style: chr9-95453479-T-C. GRCh37 (hg19) VCF-style: chr9-98215761-T-C.
Other names: c.3250A>G, p.Arg1084Gly (NM_001083602.3); c.3445A>G, p.Arg1149Gly (NM_001083603.3); c.2995A>G, p.Arg999Gly (NM_001083604.3, NM_001083605.3, NM_001083606.3 and 1 more transcripts); c.3292A>G, p.Arg1098Gly (NM_001354918.2); short protein forms R1149G, R1150G, R1084G, R1098G, R999G.
Identifiers: ClinVar variation 2897407 (VCV002897407.4), dbSNP rs753067741, ClinGen allele CA5138153.

ClinVar aggregate classification (germline): Uncertain significance. Review status: criteria provided, multiple submitters, no conflicts (2 of 4 stars). 2 submissions from 2 submitters: Uncertain significance (2). Last evaluated 2025-12-10.

Conditions:
Hereditary cancer-predisposing syndrome. Also called: Neoplastic Syndromes, Hereditary; Tumor predisposition; Hereditary neoplastic syndrome; Hereditary Cancer Syndrome. Identifiers: Orphanet 140162, MedGen C0027672, MeSH D009386, MONDO:0015356.
Gorlin syndrome. Also called: Nevoid Basal Cell Carcinoma Syndrome; Basal cell nevus syndrome. Identifiers: Orphanet 377, MedGen C0004779, MONDO:0007187.

Allele frequency attached by ClinVar (database versions not stated): gnomAD exomes below 0.00001; ExAC 0.00001.
gnomAD v4.1: 1 of 1,614,078 alleles (0.000062%); highest among the groups gnomAD compares: Non-Finnish European, 0.000085%; no homozygotes.

Submissions (2):

Ambry Genetics
Classification: Uncertain significance for Hereditary cancer-predisposing syndrome. Last evaluated: 2025-12-10. Review status: criteria provided, single submitter. Criteria: Ambry Variant Classification Scheme 2023. Collection method: clinical testing. Allele origin: germline.
Comment: The p.R1150G variant (also known as c.3448A>G), located in coding exon 20 of the PTCH1 gene, results from an A to G substitution at nucleotide position 3448. The arginine at codon 1150 is replaced by glycine, an amino acid with dissimilar properties. This amino acid position is highly conserved in available vertebrate species. In addition, this alteration is predicted to be deleterious by in silico analysis. Based on the available evidence, the clinical significance of this variant remains unclear.

Labcorp Genetics (formerly Invitae), Labcorp
Classification: Uncertain significance for Gorlin syndrome. Last evaluated: 2025-06-16. Review status: criteria provided, single submitter. Criteria: Invitae Variant Classification Sherloc (09022015). Collection method: clinical testing. Allele origin: germline.
Comment: This sequence change replaces arginine, which is basic and polar, with glycine, which is neutral and non-polar, at codon 1150 of the PTCH1 protein (p.Arg1150Gly). This variant is present in population databases (rs753067741, gnomAD 0.0009%). This variant has not been reported in the literature in individuals affected with PTCH1-related conditions. ClinVar contains an entry for this variant (Variation ID: 2897407). Invitae Evidence Modeling of protein sequence and biophysical properties (such as structural, functional, and spatial information, amino acid conservation, physicochemical variation, residue mobility, and thermodynamic stability) has been performed for this missense variant. However, the output from this modeling did not meet the statistical confidence thresholds required to predict the impact of this variant on PTCH1 protein function. In summary, the available evidence is currently insufficient to determine the role of this variant in disease. Therefore, it has been classified as a Variant of Uncertain Significance.